The following is an entry in ClinVar:

ClinVar aggregate classification (germline): Benign/Likely benign. Review status: criteria provided, multiple submitters, no conflicts (2 of 4 stars). 3 submissions from 3 submitters: Benign (1); Likely benign (2). Last evaluated 2025-06-04.

Conditions:
Hereditary cancer-predisposing syndrome. Also called: Tumor predisposition; Neoplastic Syndromes, Hereditary; Hereditary Cancer Syndrome; Hereditary neoplastic syndrome. Identifiers: Orphanet 140162, MedGen C0027672, MeSH D009386, MONDO:0015356.
Renal cell carcinoma. Identifiers: Orphanet 217071, MedGen C0007134, MeSH D002292, MONDO:0005086, HP:0005584.
Papillary renal cell carcinoma type 1 (RCCP1). Also called: Renal adenocarcinoma; Renal cell carcinoma 1; Renal cell carcinoma, somatic; RENAL CELL CARCINOMA, PAPILLARY, 1, SOMATIC. Identifiers: Orphanet 47044, MedGen C1336839, OMIM 605074, HP:0011797.

Allele frequency attached by ClinVar (database versions not stated): gnomAD exomes below 0.00001 and 0.00001; ExAC 0.00001; gnomAD 0.00001; TOPMed 0.00002.
gnomAD v4.1: 3 of 1,613,740 alleles (0.00019%); highest among the groups gnomAD compares: Admixed American, 0.005%; no homozygotes.

Submissions (3):

Labcorp Genetics (formerly Invitae), Labcorp
Classification: Likely benign for Renal cell carcinoma. Last evaluated: 2025-06-04. Review status: criteria provided, single submitter. Criteria: Invitae Variant Classification Sherloc (09022015). Collection method: clinical testing. Allele origin: germline.

Myriad Genetics, Inc.
Classification: Benign for Papillary renal cell carcinoma type 1. Last evaluated: 2024-11-08. Review status: criteria provided, single submitter. Criteria: Myriad Autosomal Dominant, Autosomal Recessive and X-Linked Classification Criteria (2023). Collection method: clinical testing. Allele origin: unknown.
Comment: This variant is considered benign. This variant is a silent/synonymous amino acid change and it is not expected to impact splicing.

Ambry Genetics
Classification: Likely benign for Hereditary cancer-predisposing syndrome. Last evaluated: 2022-10-22. Review status: criteria provided, single submitter. Criteria: Ambry Variant Classification Scheme 2023. Collection method: clinical testing. Allele origin: germline.

NM_000245.4(MET):c.2130T>C (p.Tyr710=)

Gene: MET (MET proto-oncogene, receptor tyrosine kinase; plus strand). Cytogenetic location: 7q31.2.
Variant type: single nucleotide variant.
Coding change: c.2130T>C on transcript NM_000245.4 (MANE Select); coding-DNA position 2130, T replaced by C.
Protein change: p.Tyr710=; no amino-acid change (tyrosine 710 retained).
Molecular consequence: synonymous variant.
Genome position (GRCh38, 1-based): chr7:116,758,486, T>C. VCF-style: chr7-116758486-T-C. GRCh37 (hg19) VCF-style: chr7-116398540-T-C.
Other names: c.2130T>C, p.Tyr710= (NM_001127500.3, NM_001324401.3); c.840T>C, p.Tyr280= (NM_001324402.2).
Identifiers: ClinVar variation 1158033 (VCV001158033.12), dbSNP rs775235138, ClinGen allele CA4448414.